The following is an entry in ClinVar:

ClinVar aggregate classification (germline): Likely benign. Review status: criteria provided, multiple submitters, no conflicts (2 of 4 stars). 2 submissions from 2 submitters: Likely benign (2). Last evaluated 2026-03-31.

Conditions:
SDCCAG8-related disorder. Also called: SDCCAG8-related condition; SDCCAG8-Related Disorders.

gnomAD v4.1: 8 of 1,553,962 alleles (0.00051%); highest among the groups gnomAD compares: Non-Finnish European, 0.00071%; no homozygotes.

Submissions (2):

PreventionGenetics, part of Exact Sciences
Classification: Likely benign for SDCCAG8-related condition. Last evaluated: 2026-03-31. Review status: criteria provided, single submitter. Criteria: ACMG Guidelines, 2015. Collection method: clinical testing. Allele origin: germline.
Comment: This variant is classified as likely benign based on ACMG/AMP sequence variant interpretation guidelines (Richards et al. 2015 PMID: 25741868, with internal and published modifications).

Blueprint Genetics
Classification: Likely benign. Last evaluated: 2022-09-29. Review status: criteria provided, single submitter. Criteria: ACMG Guidelines, 2015. Collection method: clinical testing. Allele origin: germline.

NM_006642.5(SDCCAG8):c.411G>A (p.Lys137=)

Gene: SDCCAG8 (SHH signaling and ciliogenesis regulator SDCCAG8; plus strand). Cytogenetic location: 1q43.
Variant type: single nucleotide variant.
Coding change: c.411G>A on transcript NM_006642.5 (MANE Select); coding-DNA position 411, G replaced by A.
Protein change: p.Lys137=; no amino-acid change (lysine 137 retained).
Molecular consequence: synonymous variant. On other transcripts: 5 prime UTR variant (3).
Genome position (GRCh38, 1-based): chr1:243,274,647, G>A. VCF-style: chr1-243274647-G-A. GRCh37 (hg19) VCF-style: chr1-243437949-G-A.
Other names: c.-702G>A (NM_001350246.2); c.-590G>A (NM_001350247.2); c.411G>A, p.Lys137= (NM_001350248.2); c.117G>A, p.Lys39= (NM_001350249.2); c.-963G>A (NM_001350251.2); c.411G>A (NM_006642.3).
Identifiers: ClinVar variation 4949693 (VCV004949693.2).
Genomic context (GRCh38, chr1:243,274,647, plus strand): 5'-CCTTGTTCATACTATTAATGACCAGTCTCAATATATTCATCATTTAGAGGCAGAAGTTAA[G>A]TTCTGCAAGGTAAGTTTCTCATTAAGAATTTAAAACTAAATAAATGAAAGCTTATATTAA-3'
Protein context (NP_006633.1, residues 127-147): QYIHHLEAEV[Lys137=]FCKEELSGMK